The following is an entry in ClinVar:

ClinVar aggregate classification (germline): Uncertain significance. Review status: criteria provided, multiple submitters, no conflicts (2 of 4 stars). 3 submissions from 3 submitters: Uncertain significance (3). Last evaluated 2025-10-01.

Conditions:
Autosomal recessive limb-girdle muscular dystrophy type 2L (LGMDR12). Also called: Limb-Girdle Muscular Dystrophy R12 Anoctamin-5-Related (LGMD-R12); Limb-girdle muscular dystrophy, type 2L; MUSCULAR DYSTROPHY, LIMB-GIRDLE, AUTOSOMAL RECESSIVE 12. Identifiers: Orphanet 206549, MedGen C1969785, MONDO:0012652, OMIM 611307.
Gnathodiaphyseal dysplasia (GDD). Also called: GNATHODIAPHYSEAL SCLEROSIS; OSTEOGENESIS IMPERFECTA WITH UNUSUAL SKELETAL LESIONS. Identifiers: Orphanet 53697, MedGen C1833736, MONDO:0008151, OMIM 166260.

Allele frequency attached by ClinVar (database versions not stated): gnomAD exomes below 0.00001 and 0.00001; TOPMed 0.00002; ExAC 0.00001; gnomAD 0.00001.

Submissions (3):

Labcorp Genetics (formerly Invitae), Labcorp
Classification: Uncertain significance for Autosomal recessive limb-girdle muscular dystrophy type 2L; Gnathodiaphyseal dysplasia. Last evaluated: 2025-10-01. Review status: criteria provided, single submitter. Criteria: Invitae Variant Classification Sherloc (09022015). Collection method: clinical testing. Allele origin: germline.
Comment: This sequence change replaces valine, which is neutral and non-polar, with alanine, which is neutral and non-polar, at codon 783 of the ANO5 protein (p.Val783Ala). The frequency data for this variant in the population databases is considered unreliable, as metrics indicate poor data quality at this position in the gnomAD database. This missense change has been observed in individual(s) with clinical features of ANO5-related conditions (PMID: 30564623). ClinVar contains an entry for this variant (Variation ID: 500227). Invitae Evidence Modeling of protein sequence and biophysical properties (such as structural, functional, and spatial information, amino acid conservation, physicochemical variation, residue mobility, and thermodynamic stability) has been performed for this missense variant. However, the output from this modeling did not meet the statistical confidence thresholds required to predict the impact of this variant on ANO5 protein function. In summary, the available evidence is currently insufficient to determine the role of this variant in disease. Therefore, it has been classified as a Variant of Uncertain Significance.

Blueprint Genetics
Classification: Uncertain significance. Last evaluated: 2021-08-06. Review status: criteria provided, single submitter. Criteria: ACMG Guidelines, 2015. Collection method: clinical testing. Allele origin: germline.

Eurofins Ntd Llc (ga)
Classification: Uncertain significance. Last evaluated: 2017-02-02. Review status: criteria provided, single submitter. Criteria: EGL Classification Definitions 2015. Collection method: clinical testing. Allele origin: germline. Observed: 1 variant allele, 1 heterozygote.

Literature cited by the submitters: PubMed 30564623 (cited by Labcorp Genetics (formerly Invitae), Labcorp).

NM_213599.3(ANO5):c.2348T>C (p.Val783Ala)

Gene: ANO5 (anoctamin 5; plus strand). Cytogenetic location: 11p14.3.
Variant type: single nucleotide variant.
Coding change: c.2348T>C on transcript NM_213599.3 (MANE Select); coding-DNA position 2348, T replaced by C.
Protein change: p.Val783Ala; replaces valine 783 with alanine.
Molecular consequence: missense variant.
Genome position (GRCh38, 1-based): chr11:22,274,681, T>C. VCF-style: chr11-22274681-T-C. GRCh37 (hg19) VCF-style: chr11-22296227-T-C.
Other names: c.2345T>C, p.Val782Ala (NM_001142649.2); short protein forms V783A, V782A.
Identifiers: ClinVar variation 500227 (VCV000500227.13), dbSNP rs778067880, ClinGen allele CA5923528.